The following is an entry in ClinVar:

ClinVar aggregate classification (germline): Likely benign (1 of 4 stars; one submission).

Submission:

CeGaT Center for Human Genetics Tuebingen
Classification: Likely benign. Last evaluated: 2022-06-01. Review status: criteria provided, single submitter. Criteria: CeGaT Center For Human Genetics Tuebingen Variant Classification Criteria Version 2. Collection method: clinical testing. Allele origin: germline. Affected: yes. Observed: 1 variant allele.
Comment: MAX: BP4, BP7

NM_002382.5(MAX):c.172-6189C>T

Gene: MAX (MYC associated transcriptional regulator X; minus strand). Cytogenetic location: 14q23.3.
Variant type: single nucleotide variant.
Coding change: c.172-6189C>T on transcript NM_002382.5 (MANE Select); 6189 bases into the intron before coding-DNA position 172, C replaced by T.
Molecular consequence: intron variant. On other transcripts: synonymous variant (3), 3 prime UTR variant (1), non-coding transcript variant (4).
Genome position (GRCh38, 1-based): chr14:65,084,225, G>A on the plus strand (C>T on the coding strand, the complement: MAX is on the minus strand). VCF-style: chr14-65084225-G-A. GRCh37 (hg19) VCF-style: chr14-65550943-G-A.
Other names: c.219C>T, p.Phe73= (NM_001271068.2, NM_001407113.1); c.*20C>T (NM_001407114.1); c.246C>T, p.Phe82= (NM_145114.3); c.144+9483C>T (NM_001271069.2); c.171+9483C>T (NM_197957.4); c.-196-6189C>T (NM_001407112.1, NM_001407111.1); c.-103-6189C>T (NM_001407106.1, NM_001407107.1, NM_001320415.2 and 1 more transcripts); c.145-6189C>T (NM_001407095.1, NM_001407110.1, NM_001407102.1 and 6 more transcripts); and 2 more.
Identifiers: ClinVar variation 2644330 (VCV002644330.24), dbSNP rs562123019, ClinGen allele CA2695199829.